The following is an entry in ClinVar:

ClinVar aggregate classification (germline): Uncertain significance (1 of 4 stars; one submission).

Allele frequency attached by ClinVar (database versions not stated): gnomAD exomes below 0.00001 and 0.00001; ExAC 0.00001; gnomAD 0.00002; TOPMed 0.00002.

Submission:

Labcorp Genetics (formerly Invitae), Labcorp
Classification: Uncertain significance. Last evaluated: 2023-03-13. Review status: criteria provided, single submitter. Criteria: Invitae Variant Classification Sherloc (09022015). Collection method: clinical testing. Allele origin: germline.
Comment: In summary, the available evidence is currently insufficient to determine the role of this variant in disease. Therefore, it has been classified as a Variant of Uncertain Significance. This sequence change replaces isoleucine, which is neutral and non-polar, with valine, which is neutral and non-polar, at codon 297 of the KIDINS220 protein (p.Ile297Val). This variant is present in population databases (rs761176180, gnomAD 0.007%). An algorithm developed to predict the effect of missense changes on protein structure and function (PolyPhen-2) suggests that this variant is likely to be tolerated. ClinVar contains an entry for this variant (Variation ID: 1405651). This variant has not been reported in the literature in individuals affected with KIDINS220-related conditions.

NM_020738.4(KIDINS220):c.889A>G (p.Ile297Val)

Gene: KIDINS220 (kinase D interacting substrate 220; minus strand). Cytogenetic location: 2p25.1.
Variant type: single nucleotide variant.
Coding change: c.889A>G on transcript NM_020738.4 (MANE Select); coding-DNA position 889, A replaced by G.
Protein change: p.Ile297Val; replaces isoleucine 297 with valine.
Molecular consequence: missense variant. On other transcripts: non-coding transcript variant (2).
Genome position (GRCh38, 1-based): chr2:8,800,411, T>C on the plus strand (A>G on the coding strand, the complement: KIDINS220 is on the minus strand). VCF-style: chr2-8800411-T-C. GRCh37 (hg19) VCF-style: chr2-8940541-T-C.
Other names: c.892A>G, p.Ile298Val (NM_001348729.2, NM_001348731.2, NM_001348734.2 and 3 more transcripts); c.889A>G, p.Ile297Val (NM_001348732.2, NM_001348735.2, NM_001348738.2 and 3 more transcripts); c.763A>G, p.Ile255Val (NM_001348736.2); short protein forms I255V, I298V, I297V.
Identifiers: ClinVar variation 1405651 (VCV001405651.6), dbSNP rs761176180, ClinGen allele CA1520323.